The following is an entry in ClinVar:

NM_001844.5(COL2A1):c.-2C>A

Gene: COL2A1 (collagen type II alpha 1 chain; minus strand). Cytogenetic location: 12q13.11.
Variant type: single nucleotide variant.
Coding change: c.-2C>A on transcript NM_001844.5 (MANE Select); 2 bases upstream of the start codon, C replaced by A.
Molecular consequence: 5 prime UTR variant.
Genome position (GRCh38, 1-based): chr12:48,004,323, G>T on the plus strand (C>A on the coding strand, the complement: COL2A1 is on the minus strand). VCF-style: chr12-48004323-G-T. GRCh37 (hg19) VCF-style: chr12-48398106-G-T.
Other names: c.-2C>A (NM_033150.3).
Identifiers: ClinVar variation 3048100 (VCV003048100.3), dbSNP rs1258409551, ClinGen allele CA604841780.

ClinVar aggregate classification (germline): Uncertain significance. Review status: criteria provided, single submitter (1 of 4 stars). 2 submissions from 2 submitters: Uncertain significance (1). 1 of the submissions does not count toward it. Last evaluated 2024-10-28.

Conditions:
COL2A1-related disorder. Also called: COL2A1-related condition; COL2A1-related disorders.

Allele frequency attached by ClinVar (database versions not stated): gnomAD exomes below 0.00001; gnomAD 0.00001; TOPMed 0.00001.
gnomAD v4.1: 7 of 1,541,042 alleles (0.00045%); highest among the groups gnomAD compares: Admixed American, 0.0039%; no homozygotes.

Submissions (2):

GeneDx
Classification: Uncertain significance. Last evaluated: 2024-10-28. Review status: criteria provided, single submitter. Criteria: GeneDx Variant Classification Process June 2021. Collection method: clinical testing. Allele origin: germline. Affected: yes.
Comment: Nucleotide is not conserved across species and the substitution has no predicted effect on splicing; Has not been previously published as pathogenic or benign to our knowledge; Alters the Kozak sequence, which plays a major role in the initiation of translation

PreventionGenetics, part of Exact Sciences
Classification: Likely benign for COL2A1-related condition. Last evaluated: 2022-12-05. Review status: no assertion criteria provided. Collection method: clinical testing. Allele origin: germline. Not counted in ClinVar's aggregate classification.
Comment: This variant is classified as likely benign based on ACMG/AMP sequence variant interpretation guidelines (Richards et al. 2015 PMID: 25741868, with internal and published modifications).